The following is an entry in ClinVar:

ClinVar aggregate classification (germline): Uncertain significance. Review status: criteria provided, multiple submitters, no conflicts (2 of 4 stars). 2 submissions from 2 submitters: Uncertain significance (2). Last evaluated 2025-03-31.

Allele frequency attached by ClinVar (database versions not stated): gnomAD exomes 0.00004 and 0.00001; TOPMed 0.00004; gnomAD 0.00001; ExAC 0.00004.
gnomAD v4.1: 24 of 1,614,030 alleles (0.0015%); highest among the groups gnomAD compares: Admixed American, 0.015%; no homozygotes.

Submissions (2):

Labcorp Genetics (formerly Invitae), Labcorp
Classification: Uncertain significance. Last evaluated: 2025-03-31. Review status: criteria provided, single submitter. Criteria: Invitae Variant Classification Sherloc (09022015). Collection method: clinical testing. Allele origin: germline.
Comment: This sequence change replaces glutamic acid, which is acidic and polar, with lysine, which is basic and polar, at codon 112 of the ANKRD26 protein (p.Glu112Lys). This variant is present in population databases (rs766072180, gnomAD 0.02%). This variant has not been reported in the literature in individuals affected with ANKRD26-related conditions. ClinVar contains an entry for this variant (Variation ID: 1683959). An algorithm developed to predict the effect of missense changes on protein structure and function (PolyPhen-2) suggests that this variant is likely to be tolerated. In summary, the available evidence is currently insufficient to determine the role of this variant in disease. Therefore, it has been classified as a Variant of Uncertain Significance.

GeneDx
Classification: Uncertain significance. Last evaluated: 2022-04-26. Review status: criteria provided, single submitter. Criteria: GeneDx Variant Classification Process June 2021. Collection method: clinical testing. Allele origin: germline. Affected: yes.
Comment: In silico analysis supports that this missense variant has a deleterious effect on protein structure/function; Has not been previously published as pathogenic or benign to our knowledge

NM_014915.3(ANKRD26):c.334G>A (p.Glu112Lys)

Gene: ANKRD26 (ankyrin repeat domain 26; minus strand). Cytogenetic location: 10p12.1.
Variant type: single nucleotide variant.
Coding change: c.334G>A on transcript NM_014915.3 (MANE Select); coding-DNA position 334, G replaced by A.
Protein change: p.Glu112Lys; replaces glutamic acid 112 with lysine.
Molecular consequence: missense variant.
Genome position (GRCh38, 1-based): chr10:27,093,708, C>T on the plus strand (G>A on the coding strand, the complement: ANKRD26 is on the minus strand). VCF-style: chr10-27093708-C-T. GRCh37 (hg19) VCF-style: chr10-27382637-C-T.
Other names: c.334G>A, p.Glu112Lys (NM_001256053.2); short protein forms E112K.
Identifiers: ClinVar variation 1683959 (VCV001683959.5), dbSNP rs766072180, ClinGen allele CA5448978.